The following is an entry in ClinVar:

NM_013245.3(VPS4A):c.485G>C (p.Gly162Ala)

Gene: VPS4A (vacuolar protein sorting 4 homolog A; plus strand). Cytogenetic location: 16q22.1.
Variant type: single nucleotide variant.
Coding change: c.485G>C on transcript NM_013245.3 (MANE Select); coding-DNA position 485, G replaced by C.
Protein change: p.Gly162Ala; replaces glycine 162 with alanine.
Molecular consequence: missense variant.
Genome position (GRCh38, 1-based): chr16:69,319,408, G>C. VCF-style: chr16-69319408-G-C. GRCh37 (hg19) VCF-style: chr16-69353311-G-C.
Other names: short protein forms G162A.
Identifiers: ClinVar variation 5008712 (VCV005008712.1).

ClinVar aggregate classification (germline): Uncertain significance (1 of 4 stars; one submission).

Submission:

GeneDx
Classification: Uncertain significance. Last evaluated: 2026-03-06. Review status: criteria provided, single submitter. Criteria: GeneDx Variant Classification Process June 2021. Collection method: clinical testing. Allele origin: germline.
Comment: Not observed at significant frequency in large population cohorts (gnomAD); In silico analysis supports that this missense variant has a deleterious effect on protein structure/function; Has not been previously published as pathogenic or benign to our knowledge